The following is an entry in ClinVar:

ClinVar aggregate classification (germline): Uncertain significance. Review status: criteria provided, multiple submitters, no conflicts (2 of 4 stars). 3 submissions from 3 submitters: Uncertain significance (3). Last evaluated 2025-10-15.

Conditions:
Bethlem myopathy 1A. Also called: MYOPATHY, BENIGN CONGENITAL, WITH CONTRACTURES; Bethlem Muscular Dystrophy; Bethlem myopathy 1. Identifiers: Orphanet 610, MedGen CN029274, MONDO:0024530, OMIM 158810.

Allele frequency attached by ClinVar (database versions not stated): gnomAD exomes below 0.00001; TOPMed below 0.00001; gnomAD 0.00001.
gnomAD v4.1: 4 of 1,613,922 alleles (0.00025%); highest among the groups gnomAD compares: African/African-American, 0.0027%; no homozygotes.

Submissions (3):

Labcorp Genetics (formerly Invitae), Labcorp
Classification: Uncertain significance for Bethlem myopathy 1A. Last evaluated: 2025-10-15. Review status: criteria provided, single submitter. Criteria: Invitae Variant Classification Sherloc (09022015). Collection method: clinical testing. Allele origin: germline.
Comment: This sequence change replaces serine, which is neutral and polar, with phenylalanine, which is neutral and non-polar, at codon 804 of the COL6A3 protein (p.Ser804Phe). This variant is not present in population databases (gnomAD no frequency). This variant has not been reported in the literature in individuals affected with COL6A3-related conditions. ClinVar contains an entry for this variant (Variation ID: 1305205). Invitae Evidence Modeling of protein sequence and biophysical properties (such as structural, functional, and spatial information, amino acid conservation, physicochemical variation, residue mobility, and thermodynamic stability) indicates that this missense variant is not expected to disrupt COL6A3 protein function with a negative predictive value of 95%. In summary, the available evidence is currently insufficient to determine the role of this variant in disease. Therefore, it has been classified as a Variant of Uncertain Significance.

Blueprint Genetics
Classification: Uncertain significance. Last evaluated: 2024-02-26. Review status: criteria provided, single submitter. Criteria: ACMG Guidelines, 2015. Collection method: clinical testing. Allele origin: germline.

GeneDx
Classification: Uncertain significance. Last evaluated: 2019-12-03. Review status: criteria provided, single submitter. Criteria: GeneDx Variant Classification Process June 2021. Collection method: clinical testing. Allele origin: germline. Affected: yes.
Comment: Not observed in large population cohorts (Lek et al., 2016); In silico analysis, which includes protein predictors and evolutionary conservation, supports a deleterious effect; Has not been previously published as pathogenic or benign to our knowledge

NM_004369.4(COL6A3):c.2411C>T (p.Ser804Phe)

Gene: COL6A3 (collagen type VI alpha 3 chain; minus strand). Cytogenetic location: 2q37.3.
Variant type: single nucleotide variant.
Coding change: c.2411C>T on transcript NM_004369.4 (MANE Select); coding-DNA position 2411, C replaced by T.
Protein change: p.Ser804Phe; replaces serine 804 with phenylalanine.
Molecular consequence: missense variant. On other transcripts: intron variant (1).
Genome position (GRCh38, 1-based): chr2:237,378,722, G>A on the plus strand (C>T on the coding strand, the complement: COL6A3 is on the minus strand). VCF-style: chr2-237378722-G-A. GRCh37 (hg19) VCF-style: chr2-238287365-G-A.
Other names: c.1190C>T, p.Ser397Phe (NM_057164.5); c.1793C>T, p.Ser598Phe (NM_057165.5, NM_057167.4); c.677-1378C>T (NM_057166.5); short protein forms S397F, S598F, S804F.
Identifiers: ClinVar variation 1305205 (VCV001305205.4), dbSNP rs2077916897, ClinGen allele CA351212641.